The following is an entry in ClinVar:

ClinVar aggregate classification (germline): Uncertain significance (1 of 4 stars; one submission).

Conditions:
Dyskeratosis congenita, autosomal dominant 6 (DKCA6). Identifiers: Orphanet 3322, MedGen C4225284, MONDO:0014690, OMIM 616553.

Submission:

Labcorp Genetics (formerly Invitae), Labcorp
Classification: Uncertain significance for Dyskeratosis congenita, autosomal dominant 6. Last evaluated: 2025-09-03. Review status: criteria provided, single submitter. Criteria: Invitae Variant Classification Sherloc (09022015). Collection method: clinical testing. Allele origin: germline.
Comment: This sequence change falls in intron 7 of the ACD gene. It does not directly change the encoded amino acid sequence of the ACD protein. It affects a nucleotide within the consensus splice site. This variant is not present in population databases (gnomAD no frequency). This variant has not been reported in the literature in individuals affected with ACD-related conditions. Variants that disrupt the consensus splice site are a relatively common cause of aberrant splicing (PMID: 17576681, 9536098). Algorithms developed to predict the effect of sequence changes on RNA splicing suggest that this variant may disrupt the consensus splice site. In summary, the available evidence is currently insufficient to determine the role of this variant in disease. Therefore, it has been classified as a Variant of Uncertain Significance.

Literature cited by the submitters: PubMed 17576681; PubMed 9536098.

NM_001082486.2(ACD):c.646-3C>T

Gene: ACD (ACD shelterin complex subunit and telomerase recruitment factor; minus strand). Cytogenetic location: 16q22.1.
Variant type: single nucleotide variant.
Coding change: c.646-3C>T on transcript NM_001082486.2 (MANE Select); 3 bases into the intron before coding-DNA position 646, C replaced by T.
Molecular consequence: intron variant.
Genome position (GRCh38, 1-based): chr16:67,658,819, G>A on the plus strand (C>T on the coding strand, the complement: ACD is on the minus strand). VCF-style: chr16-67658819-G-A. GRCh37 (hg19) VCF-style: chr16-67692722-G-A.
Other names: c.637-3C>T (NM_022914.3); c.646-3C>T (NM_001410884.1).
Identifiers: ClinVar variation 4752297 (VCV004752297.1).